The following is an entry in ClinVar:

ClinVar aggregate classification (germline): Uncertain significance (1 of 4 stars; one submission).

Conditions:
Encephalopathy, acute, infection-induced (herpes-specific), susceptibility to, 1. Also called: Herpes simplex encephalitis, susceptibility to, 1. Identifiers: Orphanet 1930, MedGen C2750180, MONDO:0024563, OMIM 610551.

Submission:

Labcorp Genetics (formerly Invitae), Labcorp
Classification: Uncertain significance for Encephalopathy, acute, infection-induced (herpes-specific), susceptibility to, 1. Last evaluated: 2025-11-23. Review status: criteria provided, single submitter. Criteria: Invitae Variant Classification Sherloc (09022015). Collection method: clinical testing. Allele origin: germline.
Comment: This sequence change replaces glutamine, which is neutral and polar, with proline, which is neutral and non-polar, at codon 62 of the TLR3 protein (p.Gln62Pro). This variant is not present in population databases (gnomAD no frequency). This variant has not been reported in the literature in individuals affected with TLR3-related conditions. An algorithm developed to predict the effect of missense changes on protein structure and function (PolyPhen-2) suggests that this variant is likely to be disruptive. In summary, the available evidence is currently insufficient to determine the role of this variant in disease. Therefore, it has been classified as a Variant of Uncertain Significance.

NM_003265.3(TLR3):c.185A>C (p.Gln62Pro)

Gene: TLR3 (toll like receptor 3; plus strand). Cytogenetic location: 4q35.1.
Variant type: single nucleotide variant.
Coding change: c.185A>C on transcript NM_003265.3 (MANE Select); coding-DNA position 185, A replaced by C.
Protein change: p.Gln62Pro; replaces glutamine 62 with proline.
Molecular consequence: missense variant.
Genome position (GRCh38, 1-based): chr4:186,076,804, A>C. VCF-style: chr4-186076804-A-C. GRCh37 (hg19) VCF-style: chr4-186997958-A-C.
Other names: short protein forms Q62P.
Identifiers: ClinVar variation 4768517 (VCV004768517.1).